The following is an entry in ClinVar:

NM_172240.3(POC1B):c.460C>T (p.Pro154Ser)

Genes: POC1B (POC1 centriolar protein B; minus strand), POC1B-DUSP6 (POC1B-DUSP6 readthrough; minus strand). Cytogenetic location: 12q21.33.
Variant type: single nucleotide variant.
Coding change: c.460C>T on transcript NM_172240.3 (MANE Select); coding-DNA position 460, C replaced by T.
Protein change: p.Pro154Ser; replaces proline 154 with serine.
Molecular consequence: missense variant. On other transcripts: non-coding transcript variant (2).
Genome position (GRCh38, 1-based): chr12:89,472,268, G>A on the plus strand (C>T on the coding strand, the complement: POC1B is on the minus strand). VCF-style: chr12-89472268-G-A. GRCh37 (hg19) VCF-style: chr12-89866045-G-A.
Other names: c.334C>T, p.Pro112Ser (NM_001199777.2); short protein forms P112S, P154S.
Identifiers: ClinVar variation 1013706 (VCV001013706.7), dbSNP rs199977729, ClinGen allele CA241202595.

ClinVar aggregate classification (germline): Uncertain significance. Review status: criteria provided, multiple submitters, no conflicts (2 of 4 stars). 2 submissions from 2 submitters: Uncertain significance (2). Last evaluated 2024-04-17.

Conditions:
Cone-rod dystrophy 20 (CORD20). Identifiers: Orphanet 1872, MedGen C4014856, MONDO:0014427, OMIM 615973.

Allele frequency attached by ClinVar (database versions not stated): TOPMed 0.00002; gnomAD exomes 0.00001; gnomAD 0.00003.

Submissions (2):

Fulgent Genetics
Classification: Uncertain significance for Cone-rod dystrophy 20. Last evaluated: 2024-04-17. Review status: criteria provided, single submitter. Criteria: ACMG Guidelines, 2015. Collection method: clinical testing. Allele origin: germline.

Labcorp Genetics (formerly Invitae), Labcorp
Classification: Uncertain significance. Last evaluated: 2021-09-02. Review status: criteria provided, single submitter. Criteria: Invitae Variant Classification Sherloc (09022015). Collection method: clinical testing. Allele origin: germline.
Comment: This sequence change replaces proline with serine at codon 154 of the POC1B protein (p.Pro154Ser). The proline residue is highly conserved and there is a moderate physicochemical difference between proline and serine. This variant is not present in population databases (ExAC no frequency). This variant has not been reported in the literature in individuals affected with POC1B-related conditions. Algorithms developed to predict the effect of missense changes on protein structure and function (SIFT, PolyPhen-2, Align-GVGD) all suggest that this variant is likely to be disruptive. In summary, the available evidence is currently insufficient to determine the role of this variant in disease. Therefore, it has been classified as a Variant of Uncertain Significance.